The following is an entry in ClinVar:

ClinVar aggregate classification (germline): Uncertain significance (1 of 4 stars; one submission).

Conditions:
Retinoblastoma (RB1). Also called: RETINOBLASTOMA, SOMATIC. Identifiers: Orphanet 790, MedGen C0035335, MeSH D012175, MONDO:0008380, OMIM 180200, HP:0009919. Disease mechanism: loss of function. Inheritance: Both sporadic and heritable forms are tested..

gnomAD v4.1: 1 of 1,612,556 alleles (0.000062%); no homozygotes.

Submission:

Baylor Genetics
Classification: Uncertain significance for Retinoblastoma. Last evaluated: 2021-03-09. Review status: criteria provided, single submitter. Criteria: ACMG Guidelines, 2015. Collection method: clinical testing. Allele origin: unknown. Affected: yes. Study: CSER-TexasKidsCanSeq.
Comment: This variant was determined to be of uncertain significance according to ACMG Guidelines, 2015 [PMID:25741868].

NM_000321.3(RB1):c.708A>C (p.Lys236Asn)

Gene: RB1 (RB transcriptional corepressor 1; plus strand). Cytogenetic location: 13q14.2.
Variant type: single nucleotide variant.
Coding change: c.708A>C on transcript NM_000321.3 (MANE Select); coding-DNA position 708, A replaced by C.
Protein change: p.Lys236Asn; replaces lysine 236 with asparagine.
Molecular consequence: missense variant.
Genome position (GRCh38, 1-based): chr13:48,360,117, A>C. VCF-style: chr13-48360117-A-C. GRCh37 (hg19) VCF-style: chr13-48934253-A-C.
Other names: short protein forms K236N.
Identifiers: ClinVar variation 1327100 (VCV001327100.1), dbSNP rs1173696113, ClinGen allele CA388158608.